The following is an entry in ClinVar:

ClinVar aggregate classification (germline): Uncertain significance (1 of 4 stars; one submission).

Conditions:
Cardiovascular phenotype. Identifiers: MedGen CN230736.

Allele frequency attached by ClinVar (database versions not stated): gnomAD exomes below 0.00001; ExAC 0.00001; TOPMed 0.00003; gnomAD 0.00006.

Submission:

Ambry Genetics
Classification: Uncertain significance for Cardiovascular phenotype. Last evaluated: 2025-12-16. Review status: criteria provided, single submitter. Criteria: Ambry Variant Classification Scheme 2023. Collection method: clinical testing. Allele origin: germline.
Comment: The p.V226I variant (also known as c.676G>A), located in coding exon 6 of the MAT2A gene, results from a G to A substitution at nucleotide position 676. The valine at codon 226 is replaced by isoleucine, an amino acid with highly similar properties. This amino acid position is conserved. In addition, this alteration is predicted to be tolerated by in silico analysis. Since supporting evidence is limited at this time, the clinical significance of this alteration remains unclear.

NM_005911.6(MAT2A):c.676G>A (p.Val226Ile)

Genes: GGCX (gamma-glutamyl carboxylase; minus strand), MAT2A (methionine adenosyltransferase 2A; plus strand). Cytogenetic location: 2p11.2.
Variant type: single nucleotide variant.
Coding change: c.676G>A on transcript NM_005911.6 (MANE Select); coding-DNA position 676, G replaced by A.
Protein change: p.Val226Ile; replaces valine 226 with isoleucine.
Molecular consequence: missense variant.
Genome position (GRCh38, 1-based): chr2:85,542,281, G>A. VCF-style: chr2-85542281-G-A. GRCh37 (hg19) VCF-style: chr2-85769404-G-A.
Other names: short protein forms V226I.
Identifiers: ClinVar variation 2561587 (VCV002561587.4), dbSNP rs373665984, ClinGen allele CA1741462.
Genomic context (GRCh38, chr2:85,542,281, plus strand): 5'-TCTGTTCAGCATGATGAAGAGGTTTGTCTTGATGAAATGAGGGATGCCCTAAAGGAGAAA[G>A]TCATCAAAGCAGTTGTGCCTGCGAAATACCTTGATGAGGATACAATCTACCACCTACAGC-3'
Protein context (NP_005902.1, residues 216-236): DEMRDALKEK[Val226Ile]IKAVVPAKYL